The following is an entry in ClinVar:

ClinVar aggregate classification (germline): Conflicting classifications of pathogenicity. Review status: criteria provided, conflicting classifications (1 of 4 stars). 8 submissions from 8 submitters: Uncertain significance (2); Benign (1); Likely benign (4). 1 of the submissions does not count toward it. Last evaluated 2026-09-01.

Conditions:
MBD5-related disorder. Also called: MBD5-related condition.
Inborn genetic diseases. Identifiers: MedGen C0950123, MeSH D030342.
Intellectual developmental disorder, autosomal dominant 1. Also called: Intellectual disability, autosomal dominant 1; MBD5 Haploinsufficiency. Identifiers: Orphanet 228402, MedGen C1969562, MONDO:0007974, OMIM 156200.
Bilateral tonic-clonic seizure. Also called: Generalized tonic-clonic seizures. Identifiers: MedGen C0494475, HP:0002069.

Allele frequency attached by ClinVar (database versions not stated): ESP Exome Variant Server 0.00008; gnomAD 0.00015 and 0.00017; TOPMed 0.00018; ExAC 0.00019; gnomAD exomes 0.00020 and 0.00022.
gnomAD v4.1: 351 of 1,614,082 alleles (0.022%); highest among the groups gnomAD compares: Middle Eastern, 0.12%; 1 homozygote.

Submissions (8):

CeGaT Center for Human Genetics Tuebingen
Classification: Likely benign. Last evaluated: 2026-09-01. Review status: criteria provided, single submitter. Criteria: CeGaT Center For Human Genetics Tuebingen Variant Classification Criteria Version 2. Collection method: clinical testing. Allele origin: germline. Affected: yes. Observed: 2 variant alleles.
Comment: MBD5: BP4, BS2

Labcorp Genetics (formerly Invitae), Labcorp
Classification: Benign for Intellectual developmental disorder, autosomal dominant 1. Last evaluated: 2025-12-26. Review status: criteria provided, single submitter. Criteria: Invitae Variant Classification Sherloc (09022015). Collection method: clinical testing. Allele origin: germline.

Blueprint Genetics
Classification: Likely benign. Last evaluated: 2024-11-26. Review status: criteria provided, single submitter. Criteria: ACMG Guidelines, 2015. Collection method: clinical testing. Allele origin: germline.

Ambry Genetics
Classification: Likely benign for Inborn genetic diseases. Last evaluated: 2022-02-10. Review status: criteria provided, single submitter. Criteria: Ambry Variant Classification Scheme 2023. Collection method: clinical testing. Allele origin: germline.

GeneDx
Classification: Likely benign. Last evaluated: 2021-01-07. Review status: criteria provided, single submitter. Criteria: GeneDx Variant Classification Process June 2021. Collection method: clinical testing. Allele origin: germline. Affected: yes.

Clinical Molecular Genetics Laboratory, Johns Hopkins All Children's Hospital
Classification: Uncertain significance for clonic tonic seizures. Last evaluated: 2017-04-03. Review status: criteria provided, single submitter. Criteria: ACMG Guidelines, 2015. Collection method: clinical testing. Allele origin: germline. Affected: yes.

Eurofins Ntd Llc (ga)
Classification: Uncertain significance. Last evaluated: 2017-03-14. Review status: criteria provided, single submitter. Criteria: EGL Classification Definitions 2015. Collection method: clinical testing. Allele origin: germline. Observed: 1 variant allele, 1 heterozygote.

PreventionGenetics, part of Exact Sciences
Classification: Likely benign for MBD5-related condition. Last evaluated: 2021-03-17. Review status: no assertion criteria provided. Collection method: clinical testing. Allele origin: germline. Not counted in ClinVar's aggregate classification.
Comment: This variant is classified as likely benign based on ACMG/AMP sequence variant interpretation guidelines (Richards et al. 2015 PMID: 25741868, with internal and published modifications).

NM_001378120.1(MBD5):c.3678G>C (p.Gln1226His)

Gene: MBD5 (methyl-CpG binding domain protein 5; plus strand). Cytogenetic location: 2q23.1.
Variant type: single nucleotide variant.
Coding change: c.3678G>C on transcript NM_001378120.1 (MANE Select); coding-DNA position 3678, G replaced by C.
Protein change: p.Gln1226His; replaces glutamine 1226 with histidine.
Molecular consequence: missense variant.
Genome position (GRCh38, 1-based): chr2:148,485,875, G>C. VCF-style: chr2-148485875-G-C. GRCh37 (hg19) VCF-style: chr2-149243444-G-C.
Other names: p.Q993H:CAG>CAC; c.2979G>C, p.Gln993His (NM_018328.5); short protein forms Q993H, Q1226H.
Identifiers: ClinVar variation 206115 (VCV000206115.46), dbSNP rs148321416, ClinGen allele CA315885.